The following is an entry in ClinVar:

ClinVar aggregate classification (germline): Uncertain significance (1 of 4 stars; one submission).

Conditions:
Alstrom syndrome (ALMS). Identifiers: Orphanet 64, MedGen C0268425, MONDO:0008763, OMIM 203800.

Allele frequency attached by ClinVar (database versions not stated): ExAC 0.00001.
gnomAD v4.1: 10 of 1,614,090 alleles (0.00062%); highest among the groups gnomAD compares: Non-Finnish European, 0.00076%; no homozygotes.

Submission:

Labcorp Genetics (formerly Invitae), Labcorp
Classification: Uncertain significance for Alstrom syndrome. Last evaluated: 2024-10-23. Review status: criteria provided, single submitter. Criteria: Invitae Variant Classification Sherloc (09022015). Collection method: clinical testing. Allele origin: germline.
Comment: This sequence change replaces histidine, which is basic and polar, with tyrosine, which is neutral and polar, at codon 1991 of the ALMS1 protein (p.His1991Tyr). This variant is present in population databases (rs746542955, gnomAD 0.0009%). This variant has not been reported in the literature in individuals affected with ALMS1-related conditions. ClinVar contains an entry for this variant (Variation ID: 2048871). Experimental studies and prediction algorithms are not available or were not evaluated, and the functional significance of this variant is currently unknown. In summary, the available evidence is currently insufficient to determine the role of this variant in disease. Therefore, it has been classified as a Variant of Uncertain Significance.

NM_001378454.1(ALMS1):c.5968C>T (p.His1990Tyr)

Gene: ALMS1 (ALMS1 centrosome and basal body associated protein; plus strand). Cytogenetic location: 2p13.1.
Variant type: single nucleotide variant.
Coding change: c.5968C>T on transcript NM_001378454.1 (MANE Select); coding-DNA position 5968, C replaced by T.
Protein change: p.His1990Tyr; replaces histidine 1990 with tyrosine.
Molecular consequence: missense variant.
Genome position (GRCh38, 1-based): chr2:73,452,495, C>T. VCF-style: chr2-73452495-C-T. GRCh37 (hg19) VCF-style: chr2-73679622-C-T.
Other names: c.5971C>T, p.His1991Tyr (NM_015120.4); short protein forms H1991Y, H1990Y.
Identifiers: ClinVar variation 2048871 (VCV002048871.2), dbSNP rs746542955, ClinGen allele CA1713970.